The following continues an entry in ClinVar:

NM_000238.4(KCNH2):c.2371C>T (p.Arg791Trp)

Gene: KCNH2. ClinVar aggregate classification (germline): Conflicting classifications of pathogenicity. Uncertain significance (5); Likely benign (5).

Submissions 10 to 14 of 14:

Biesecker Lab/Clinical Genomics Section, National Institutes of Health
Classification: Likely benign for Long QT syndrome. Last evaluated: 2013-06-24. Review status: criteria provided, single submitter. Criteria: Ng et al. (Circ Cardiovasc Genet. 2013). Collection method: research. Allele origin: unknown. Observed: 1 variant allele. Study: ClinSeq.
Comment: The study set was not selected for affection status in relation to any cancer. Pathogenicity categories were based on literature curation. See Pubmed ID:23861362 for details.

Medical sequencing

Research Institute, Imperial College London Diabetes Centre
Classification: Pathogenic for Long QT syndrome 2. Last evaluated: 2021-01-24. Review status: no assertion criteria provided. Collection method: clinical testing. Allele origin: germline. Inheritance: Autosomal dominant inheritance. Affected: yes. Observed: 2 heterozygotes, 1 compound heterozygote. Clinical features observed: Prolonged QT interval (HP:0001657), Complete right bundle branch block (HP:0011712), Atrial fibrillation (HP:0005110), Ventricular arrhythmia (HP:0004308), ST segment elevation (HP:0012251). Not counted in ClinVar's aggregate classification.
Comment: It is reported in the population databases dbSNP (rs138498207) and Genome Aggregation Database (gnomAD) with a minor allele frequency (MAF) of 0.008875%. This missense mutation is also classified as a variant of uncertain clinical significance in the ClinVar database (Variation ID: 67391). It is located in a highly conserved residue and in silico and bioinformatic analysis (KvSNP, Polyphen2, Single Nucleotide Polymorphisms & Go, and SIFT) predicted this variant to be pathogenic and probably damaging to the protein structure and function. Functional studies by Anderson et al. showed that expression of the KCNH2 p.R791W variant in the absence of a wildtype allele results in normal protein trafficking to the cell membrane, but altered channel gating resulting in dysfunctional channels but with nearly normal values for the repolarizing outward potassium current (IKv11.1) density. On the basis of the genotypes - phenotypes associations in our study, segregation analysis and previous studies mentioned, we classify the p.R791W variant as the putative disease-causative variant that contributes to the LQTS phenotype observed.

CSER _CC_NCGL, University of Washington
Classification: Uncertain significance for Long QT syndrome. Last evaluated: 2014-06-01. Review status: no assertion criteria provided. Collection method: research. Allele origin: germline. Inheritance: Autosomal dominant inheritance. Study: ESP 6500 variant annotation. Not counted in ClinVar's aggregate classification.
Comment: Variants classified for the Actionable exomic incidental findings in 6503 participants: challenges of variant classification manuscript

Cardiovascular Biomedical Research Unit, Royal Brompton & Harefield NHS Foundation Trust
No classification provided. Condition: Familial long QT syndrome. Review status: no classification provided. Collection method: literature only. Allele origin: germline. Not counted in ClinVar's aggregate classification.
Comment: This variant has been reported as associated with Long QT syndrome in the following publications (PMID:19716085). This is a literature report, and does not necessarily reflect the clinical interpretation of the Imperial College / Royal Brompton Cardiovascular Genetics laboratory.

Research Institute, Imperial College London Diabetes Centre
Classification: Likely pathogenic for Brugada syndrome 1. Review status: no assertion criteria provided. Collection method: clinical testing. Allele origin: germline. Inheritance: Autosomal dominant inheritance. Affected: yes. Observed: 1 heterozygote. Not counted in ClinVar's aggregate classification.
Comment: It is reported in the population databases dbSNP (rs138498207) and Genome Aggregation Database (gnomAD) with a minor allele frequency (MAF) of 0.008875%. This missense mutation is also classified as a variant of uncertain clinical significance in the ClinVar database (Variation ID: 67391). It is located in a highly conserved residue and in silico and bioinformatic analysis (KvSNP, Polyphen2, Single Nucleotide Polymorphisms & Go, and SIFT) predicted this variant to be pathogenic and probably damaging to the protein structure and function. Functional studies by Anderson et al. showed that expression of the KCNH2 p.R791W variant in the absence of a wildtype allele results in normal protein trafficking to the cell membrane, but altered channel gating resulting in dysfunctional channels but with nearly normal values for the repolarizing outward potassium current (IKv11.1) density. As suggested by Bezzina et al., BrS may not be a monogenic disorder but rather oligogenic and due to multiple susceptibility variants acting in concert via one or more mechanistic pathways that are associated with developing a Brugada syndrome phenotype. This result was interpreted in the clinical context of this patient and on the basis of the genotypes - phenotypes associations in our study, we may speculate that although rare; the LQT2- associated p.R791W variant may not have a direct disease-causative role in BrS but may act as a strong modifier variant that configures the BrS ECG pattern observed in the proband.

Literature cited by the submitters: PubMed 25417810 (cited by 5 submitters); PubMed 29752375 (cited by 4 submitters); PubMed 31521807 (cited by All of Us Research Program, National Institutes of Health); PubMed 32893267 (cited by Color Diagnostics, LLC DBA Color Health and Ambry Genetics); PubMed 19716085 (cited by 4 submitters); PubMed 23861362 (cited by Ambry Genetics); PubMed 25637381 (cited by Ambry Genetics and Women's Health and Genetics/Laboratory Corporation of America, LabCorp); PubMed 26332594 (cited by Ambry Genetics and Women's Health and Genetics/Laboratory Corporation of America, LabCorp); PubMed 29247119 (cited by Ambry Genetics and Women's Health and Genetics/Laboratory Corporation of America, LabCorp); PubMed 32048431 (cited by Women's Health and Genetics/Laboratory Corporation of America, LabCorp); PubMed 22581653 (cited by Cardiovascular Biomedical Research Unit, Royal Brompton & Harefield NHS Foundation Trust).